The following is an entry in ClinVar:

ClinVar aggregate classification (germline): Uncertain significance (1 of 4 stars; one submission).

Conditions:
Hereditary cancer-predisposing syndrome. Also called: Tumor predisposition; Hereditary neoplastic syndrome; Hereditary Cancer Syndrome; Neoplastic Syndromes, Hereditary. Identifiers: Orphanet 140162, MedGen C0027672, MeSH D009386, MONDO:0015356.

Submission:

Ambry Genetics
Classification: Uncertain significance for Hereditary cancer-predisposing syndrome. Last evaluated: 2024-02-02. Review status: criteria provided, single submitter. Criteria: Ambry Variant Classification Scheme 2023. Collection method: clinical testing. Allele origin: germline.
Comment: The p.M170V variant (also known as c.508A>G), located in coding exon 1 of the AXIN2 gene, results from an A to G substitution at nucleotide position 508. The methionine at codon 170 is replaced by valine, an amino acid with highly similar properties. This amino acid position is conserved. In addition, the in silico prediction for this alteration is inconclusive. Based on the available evidence, the clinical significance of this alteration remains unclear.

NM_004655.4(AXIN2):c.508A>G (p.Met170Val)

Gene: AXIN2 (axin 2; minus strand). Cytogenetic location: 17q24.1.
Variant type: single nucleotide variant.
Coding change: c.508A>G on transcript NM_004655.4 (MANE Select); coding-DNA position 508, A replaced by G.
Protein change: p.Met170Val; replaces methionine 170 with valine.
Molecular consequence: missense variant.
Genome position (GRCh38, 1-based): chr17:65,558,113, T>C on the plus strand (A>G on the coding strand, the complement: AXIN2 is on the minus strand). VCF-style: chr17-65558113-T-C. GRCh37 (hg19) VCF-style: chr17-63554231-T-C.
Other names: c.508A>G, p.Met170Val (NM_001363813.1); short protein forms M170V.
Identifiers: ClinVar variation 3224407 (VCV003224407.1), dbSNP rs2044299639, ClinGen allele CA400681119.